The following is an entry in ClinVar:

ClinVar aggregate classification (germline): Uncertain significance. Review status: criteria provided, multiple submitters, no conflicts (2 of 4 stars). 4 submissions from 4 submitters: Uncertain significance (4). Last evaluated 2026-07-01.

Conditions:
TMC1-related disorder. Also called: TMC1-related condition; TMC1-related disorders.

Allele frequency attached by ClinVar (database versions not stated): gnomAD exomes 0.00004 and 0.00007; ExAC 0.00006; ESP Exome Variant Server 0.00008; TOPMed 0.00008; gnomAD 0.00009; 1000 Genomes Project 30x 0.00031; 1000 Genomes Project 0.00040.
gnomAD v4.1: 114 of 1,614,112 alleles (0.0071%); highest among the groups gnomAD compares: Middle Eastern, 0.016%; no homozygotes.

Submissions (4):

CeGaT Center for Human Genetics Tuebingen
Classification: Uncertain significance. Last evaluated: 2026-07-01. Review status: criteria provided, single submitter. Criteria: CeGaT Center For Human Genetics Tuebingen Variant Classification Criteria Version 2. Collection method: clinical testing. Allele origin: germline. Affected: yes. Observed: 1 variant allele.
Comment: TMC1: PM2

PreventionGenetics, part of Exact Sciences
Classification: Uncertain significance for TMC1-related condition. Last evaluated: 2026-03-11. Review status: criteria provided, single submitter. Criteria: ACMG Guidelines, 2015. Collection method: clinical testing. Allele origin: germline.
Comment: The TMC1 c.1846G>A variant is predicted to result in the amino acid substitution p.Val616Ile. To our knowledge, this variant has not been reported in the literature. This variant is reported in 0.0098% of alleles in individuals of South Asian descent in gnomAD. At this time, the clinical significance of this variant is uncertain due to the absence of conclusive functional and genetic evidence.

GeneDx
Classification: Uncertain significance. Last evaluated: 2022-07-05. Review status: criteria provided, single submitter. Criteria: GeneDx Variant Classification Process June 2021. Collection method: clinical testing. Allele origin: germline. Affected: yes.
Comment: In silico analysis supports that this missense variant does not alter protein structure/function; Has not been previously published as pathogenic or benign to our knowledge

Laboratory for Molecular Medicine, Mass General Brigham Personalized Medicine
Classification: Uncertain significance. Last evaluated: 2019-09-04. Review status: criteria provided, single submitter. Criteria: LMM Criteria. Collection method: clinical testing. Allele origin: germline. Observed: 1 variant allele.
Comment: The p.Val616Ile variant in TMC1 has not been previously reported in individuals with hearing loss, but has been identified in 0.009% (3/30616) of South Asian chromosomes by gnomAD. Computational prediction tools and conservation analysis suggest that this variant may impact the protein, though this information is not predictive enough to determine pathogenicity. In summary, the clinical significance of this variant is uncertain. ACMG/AMP Criteria applied: PM2, PP3

NM_138691.3(TMC1):c.1846G>A (p.Val616Ile)

Gene: TMC1 (transmembrane channel like 1; plus strand). Cytogenetic location: 9q21.13.
Variant type: single nucleotide variant.
Coding change: c.1846G>A on transcript NM_138691.3 (MANE Select); coding-DNA position 1846, G replaced by A.
Protein change: p.Val616Ile; replaces valine 616 with isoleucine.
Molecular consequence: missense variant.
Genome position (GRCh38, 1-based): chr9:72,820,924, G>A. VCF-style: chr9-72820924-G-A. GRCh37 (hg19) VCF-style: chr9-75435840-G-A.
Other names: short protein forms V616I.
Identifiers: ClinVar variation 930100 (VCV000930100.8), dbSNP rs376422017, ClinGen allele CA5082083.
Genomic context (GRCh38, chr9:72,820,924, plus strand): 5'-AGCCTCCCAGGCATCAATATCCTTCGACTCCATACATCCATGTACTTCCAGTGCTGGGCC[G>A]TTATGTGCTGCAATGTTCCTGAGGCCAGGGTCTTCAAAGCTTCCAGATCAAATAACTTCT-3'
Protein context (NP_619636.2, residues 606-626): HTSMYFQCWA[Val616Ile]MCCNVPEARV